The following is an entry in ClinVar:

ClinVar aggregate classification (germline): Pathogenic (1 of 4 stars; one submission).

Conditions:
BAP1-related tumor predisposition syndrome (TPDS1). Also called: Tumor susceptibility linked to germline BAP1 mutations; TUMOR PREDISPOSITION SYNDROME 1; BAP1 tumor predisposition syndrome; COMMON Syndrome. Identifiers: Orphanet 289539, MedGen C3280492, MONDO:0013692, OMIM 614327.

Submission:

Labcorp Genetics (formerly Invitae), Labcorp
Classification: Pathogenic for BAP1-related tumor predisposition syndrome. Last evaluated: 2022-08-03. Review status: criteria provided, single submitter. Criteria: Invitae Variant Classification Sherloc (09022015). Collection method: clinical testing. Allele origin: germline.
Comment: This sequence change creates a premature translational stop signal (p.Trp5*) in the BAP1 gene. It is expected to result in an absent or disrupted protein product. Loss-of-function variants in BAP1 are known to be pathogenic (PMID: 21874000, 23684012). This variant is not present in population databases (gnomAD no frequency). This variant has not been reported in the literature in individuals affected with BAP1-related conditions. ClinVar contains an entry for this variant (Variation ID: 575817). For these reasons, this variant has been classified as Pathogenic.

Literature cited by the submitters: PubMed 21874000; PubMed 23684012.

NM_004656.4(BAP1):c.15G>A (p.Trp5Ter)

Gene: BAP1 (BRCA1 associated deubiquitinase 1; minus strand). Cytogenetic location: 3p21.1.
Variant type: single nucleotide variant.
Coding change: c.15G>A on transcript NM_004656.4 (MANE Select); coding-DNA position 15, G replaced by A.
Protein change: p.Trp5Ter; replaces tryptophan 5 with a stop codon.
Molecular consequence: nonsense.
Genome position (GRCh38, 1-based): chr3:52,409,864, C>T on the plus strand (G>A on the coding strand, the complement: BAP1 is on the minus strand). VCF-style: chr3-52409864-C-T. GRCh37 (hg19) VCF-style: chr3-52443880-C-T.
Other names: short protein forms W5*.
Identifiers: ClinVar variation 575817 (VCV000575817.6), dbSNP rs916069743, ClinGen allele CA353115132.